The following is an entry in ClinVar:

NM_017868.4(TTC12):c.1117G>A (p.Gly373Arg)

Genes: TTC12 (tetratricopeptide repeat domain 12; plus strand), LOC126861342 (MED14-independent group 3 enhancer GRCh37_chr11:113214693-113215892; plus strand). Cytogenetic location: 11q23.2.
Variant type: single nucleotide variant.
Coding change: c.1117G>A on transcript NM_017868.4 (MANE Select); coding-DNA position 1117, G replaced by A.
Protein change: p.Gly373Arg; replaces glycine 373 with arginine.
Molecular consequence: missense variant. On other transcripts: non-coding transcript variant (3).
Genome position (GRCh38, 1-based): chr11:113,344,403, G>A. VCF-style: chr11-113344403-G-A. GRCh37 (hg19) VCF-style: chr11-113215125-G-A.
Other names: c.1135G>A, p.Gly379Arg (NM_001318533.2); c.1042G>A, p.Gly348Arg (NM_001352037.2); c.1120G>A, p.Gly374Arg (NM_001378063.1); c.1117G>A, p.Gly373Arg (NM_001378064.1, NM_001378065.1); short protein forms G348R, G373R, G374R, G379R.
Identifiers: ClinVar variation 3239646 (VCV003239646.2).

ClinVar aggregate classification (germline): Pathogenic (1 of 4 stars; one submission).

Conditions:
Reduced sperm motility. Also called: asthenozoospermia. Identifiers: MedGen C4082176, HP:0012207.
Abnormal sperm morphology. Also called: Teratozoospermia. Identifiers: MedGen C0403824, HP:0012864.

gnomAD v4.1: 24 of 1,614,084 alleles (0.0015%); highest among the groups gnomAD compares: Middle Eastern, 0.016%; no homozygotes.

Submission:

Huzhibin Lab, Nanjing Medical University
Classification: Pathogenic for Reduced sperm motility; Abnormal sperm morphology. Review status: criteria provided, single submitter. Criteria: ACMG Guidelines, 2015. Collection method: research. Allele origin: germline. Inheritance: Autosomal recessive inheritance. Affected: yes. Observed: 1 variant allele, 1 homozygote.
Comment: Criteria:PVS1,PS4 This gene is a known causative gene for teratozoospermia, and male KI mice of this gene have been shown to have a teratospermic phenotype and be infertile in males. Here, we find a rare homozygous variant in this gene that was not found in the control population.

Literature cited by the submitters: PubMed 37325566.